The following is an entry in ClinVar:

ClinVar aggregate classification (germline): Pathogenic/Likely pathogenic. Review status: criteria provided, multiple submitters, no conflicts (2 of 4 stars). 10 submissions from 10 submitters: Pathogenic (6); Likely pathogenic (3). 1 of the submissions does not count toward it. Last evaluated 2026-04-29.

Conditions:
MSH3-related disorder. Also called: MSH3-related condition.
Familial adenomatous polyposis 4 (FAP4). Also called: MSH3-related attenuated familial adenomatous polyposis. Identifiers: Orphanet 480536, MedGen C4310719, MONDO:0044300, OMIM 617100.
Hereditary cancer-predisposing syndrome. Also called: Tumor predisposition; Hereditary Cancer Syndrome; Neoplastic Syndromes, Hereditary; Hereditary neoplastic syndrome. Identifiers: Orphanet 140162, MedGen C0027672, MeSH D009386, MONDO:0015356.
Endometrial carcinoma. Also called: Endometrial carcinoma, somatic. Identifiers: MedGen C0476089, MONDO:0002447, OMIM 608089, HP:0012114.

Allele frequency attached by ClinVar (database versions not stated): gnomAD exomes 0.00001.
gnomAD v4.1: 10 of 1,570,732 alleles (0.00064%); highest among the groups gnomAD compares: Admixed American, 0.0017%; no homozygotes.

Submissions (10):

PreventionGenetics, part of Exact Sciences
Classification: Likely pathogenic for MSH3-related condition. Last evaluated: 2026-04-29. Review status: criteria provided, single submitter. Criteria: ACMG Guidelines, 2015. Collection method: clinical testing. Allele origin: germline.
Comment: The MSH3 c.2319-1G>A variant is predicted to disrupt the AG splice acceptor site and interfere with normal splicing. This variant has been reported in the compound heterozygous state in siblings with MSH3-related polyposis (Adam et al. 2016. PubMed ID: 27476653). It has also been reported in the heterozygous state in individuals with gastric cancer and a personal and family history of colorectal cancer (Djursby et al. 2020. PubMed ID: 33193653; Supplementary Table 4, Vogelaar et al. 2017. PubMed ID: 28875981). This variant has not been reported in a large population database (gnomAD), indicating it is rare. This variant is interpreted as pathogenic or likely pathogenic in ClinVar (Variation ID: 253325). cDNA sequencing indicated this variant results in an in-frame deletion of exon 17 (Adam et al. 2016. PubMed ID: 27476653) which is expected to disrupt a core domain involved in DNA binding (Gupta et al. 2011. PubMed ID: 22179786). Variants that disrupt the consensus splice acceptor site in MSH3 are expected to be pathogenic. This variant is interpreted as likely pathogenic.

Dasa
Classification: Likely pathogenic. Last evaluated: 2025-12-26. Review status: criteria provided, single submitter. Criteria: DASA Assertion Criteria. Collection method: clinical testing. Allele origin: germline.
Comment: NM_002439.5(MSH3):c.2319-1G>A affects a canonical splice site and is predicted to disrupt normal RNA splicing. Loss of function is an established disease mechanism for MSH3-associated disorders. This variant has been reported in individuals with MSH3-related disorders (PMID: 27476653). Also, this variant is rare in population databases. Based on the currently available evidence, this variant is classified as likely pathogenic.

Labcorp Genetics (formerly Invitae), Labcorp
Classification: Pathogenic. Last evaluated: 2025-12-20. Review status: criteria provided, single submitter. Criteria: Invitae Variant Classification Sherloc (09022015). Collection method: clinical testing. Allele origin: germline.
Comment: This sequence change affects an acceptor splice site in intron 16 of the MSH3 gene. RNA analysis indicates that disruption of this splice site induces altered splicing and likely results in a shortened protein product. This variant is not present in population databases (gnomAD no frequency). Disruption of this splice site has been observed in individuals with MSH3-associated polyposis (PMID: 27476653; internal data). It has also been observed to segregate with disease in related individuals. ClinVar contains an entry for this variant (Variation ID: 253325). Studies have shown that disruption of this splice site results in skipping of exon 17, but is expected to preserve the integrity of the reading-frame (PMID: 27476653; internal data). For these reasons, this variant has been classified as Pathogenic.

Center for Genomic Medicine, Rigshospitalet, Copenhagen University Hospital
Classification: Pathogenic. Last evaluated: 2025-03-04. Review status: criteria provided, single submitter. Criteria: ACMG Guidelines, 2015. Collection method: clinical testing. Allele origin: germline.

Ambry Genetics
Classification: Pathogenic for Hereditary cancer-predisposing syndrome. Last evaluated: 2025-01-20. Review status: criteria provided, single submitter. Criteria: Ambry Variant Classification Scheme 2023. Collection method: clinical testing. Allele origin: germline.
Comment: The c.2319-1G>A intronic variant results from a G to A substitution one nucleotide upstream from coding exon 17 of the MSH3 gene. Alterations that disrupt the canonical splice site are expected to result in aberrant splicing. In silico splice site analysis predicts that this alteration will weaken the native splice acceptor site. The resulting transcript is predicted to be in-frame and is not expected to trigger nonsense-mediated mRNA decay; however, direct evidence is unavailable. The exact functional effect of the altered amino acid sequence is unknown; however, the impacted region is critical for protein function (Ambry internal data). This variant has been reported in the heterozygous state in studies of individuals with gastrointestinal cancers (Djursby M et al. Front Genet, 2020 Sep;11:566266; Vogelaar IP et al. Eur J Hum Genet, 2017 11;25:1246-1252). In another study, this variant was identified in conjunction with a MSH3 frameshift mutation in two siblings with multiple colorectal adenomatous polyps (one sibling was also diagnosed with astrocytoma, duodenal adenomas, thyroid adenomas, and intraductal papillomas). This patient had constitutional MSH3 loss on immunohistochemical staining. The same study found that c.2319-1G>A caused abnormal splicing resulting in the loss of exon 17, which is expected to cause an in-frame deletion of 39 amino acids at the protein level (Adam R et al. Am. J. Hum. Genet., 2016 Aug;99:337-51). Based on internal structural analysis, loss of exon 17 impacts the lever domain and is predicted to impair DNA binding (Gupta S et al. Nat. Struct. Mol. Biol., 2011 Dec;19:72-8; Ambry internal data). RNA studies have demonstrated that this alteration results in abnormal splicing in the set of samples tested (Ambry internal data). This variant is considered to be rare based on population cohorts in the Genome Aggregation Database (gnomAD). This nucleotide position is highly conserved in available vertebrate species. Based on the supporting evidence, this alteration is interpreted as a disease-causing mutation.

CeGaT Center for Human Genetics Tuebingen
Classification: Pathogenic. Last evaluated: 2024-07-01. Review status: criteria provided, single submitter. Criteria: CeGaT Center For Human Genetics Tuebingen Variant Classification Criteria Version 2. Collection method: clinical testing. Allele origin: germline. Affected: yes. Observed: 6 variant alleles.
Comment: MSH3: PVS1, PM2, PM3, PS4:Moderate, PS3:Supporting

GeneDx
Classification: Pathogenic. Last evaluated: 2023-09-27. Review status: criteria provided, single submitter. Criteria: GeneDx Variant Classification Process June 2021. Collection method: clinical testing. Allele origin: germline. Affected: yes.
Comment: Published functional studies demonstrate a damaging effect: in-frame loss of adjacent exon 17 (Adam et al., 2016); Canonical splice site variant predicted to result in an in-frame loss of the adjacent exon in a gene for which loss of function is a known mechanism of disease; Not observed at significant frequency in large population cohorts (gnomAD); This variant is associated with the following publications: (PMID: 31589614, 33193653, 34843512, 28875981, 34961301, 27476653)

Myriad Genetics, Inc.
Classification: Likely pathogenic for Familial adenomatous polyposis 4. Last evaluated: 2023-08-30. Review status: criteria provided, single submitter. Criteria: Myriad Autosomal Dominant, Autosomal Recessive and X-Linked Classification Criteria (2023). Collection method: clinical testing. Allele origin: unknown.
Comment: This variant is considered likely pathogenic. This variant occurs within a consensus splice junction and is predicted to result in abnormal mRNA splicing of either an out-of-frame exon or an in-frame exon necessary for protein stability and/or normal function.

Baylor Genetics
Classification: Pathogenic for Endometrial carcinoma. Last evaluated: 2023-05-24. Review status: criteria provided, single submitter. Criteria: ACMG Guidelines, 2015. Collection method: clinical testing. Allele origin: unknown.

OMIM
Classification: Pathogenic for FAMILIAL ADENOMATOUS POLYPOSIS 4. Last evaluated: 2016-08-31. Review status: no assertion criteria provided. Collection method: literature only. Allele origin: germline. Not counted in ClinVar's aggregate classification.

Literature cited by the submitters: PubMed 27476653 (cited by 5 submitters); PubMed 33193653 (cited by Center for Genomic Medicine, Rigshospitalet, Copenhagen University Hospital and Ambry Genetics); PubMed 22179786 (cited by Ambry Genetics); PubMed 28875981 (cited by Ambry Genetics).

NM_002439.5(MSH3):c.2319-1G>A

Gene: MSH3 (mutS homolog 3; plus strand). Cytogenetic location: 5q14.1.
Variant type: single nucleotide variant.
Coding change: c.2319-1G>A on transcript NM_002439.5 (MANE Select); the canonical splice acceptor site of the intron before coding-DNA position 2319, G replaced by A.
Molecular consequence: splice acceptor variant.
Genome position (GRCh38, 1-based): chr5:80,778,719, G>A. VCF-style: chr5-80778719-G-A. GRCh37 (hg19) VCF-style: chr5-80074538-G-A.
Other names: IVS16AS, G-A, -1.
Identifiers: ClinVar variation 253325 (VCV000253325.46), dbSNP rs866260675, ClinGen allele CA10586320.
Genomic context (GRCh38, chr5:80,778,719, plus strand): 5'-ATGGCATTTCGGATTTTTTACTAACCTTGATTTCCTATTTGTGTTCTTTCCCCTCTTCTA[G>A]CACAAAAGCTGTGAGCCGCTTTCACTCTCCTTTTATTGTAGAAAATTACAGACATCTGAA-3'